The following is an entry in ClinVar:

NM_001851.6(COL9A1):c.2581+5G>A

Gene: COL9A1 (collagen type IX alpha 1 chain; minus strand). Cytogenetic location: 6q13.
Variant type: single nucleotide variant.
Coding change: c.2581+5G>A on transcript NM_001851.6 (MANE Select); 5 bases into the intron after coding-DNA position 2581, G replaced by A.
Molecular consequence: intron variant.
Genome position (GRCh38, 1-based): chr6:70,225,927, C>T on the plus strand (G>A on the coding strand, the complement: COL9A1 is on the minus strand). VCF-style: chr6-70225927-C-T. GRCh37 (hg19) VCF-style: chr6-70935630-C-T.
Other names: c.1705+5G>A (NM_001377290.1); c.1852+5G>A (NM_078485.4); c.1882+5G>A (NM_001377289.1).
Identifiers: ClinVar variation 1940431 (VCV001940431.5), dbSNP rs2483135645, ClinGen allele CA2547816850.

ClinVar aggregate classification (germline): Uncertain significance (1 of 4 stars; one submission).

Allele frequency attached by ClinVar (database versions not stated): gnomAD exomes below 0.00001.
gnomAD v4.1: 2 of 1,613,344 alleles (0.00012%); highest among the groups gnomAD compares: Non-Finnish European, 0.00017%; no homozygotes.

Submission:

Labcorp Genetics (formerly Invitae), Labcorp
Classification: Uncertain significance. Last evaluated: 2022-07-24. Review status: criteria provided, single submitter. Criteria: Invitae Variant Classification Sherloc (09022015). Collection method: clinical testing. Allele origin: germline.
Comment: This sequence change falls in intron 37 of the COL9A1 gene. It does not directly change the encoded amino acid sequence of the COL9A1 protein. It affects a nucleotide within the consensus splice site. This variant is not present in population databases (gnomAD no frequency). This variant has not been reported in the literature in individuals affected with COL9A1-related conditions. Variants that disrupt the consensus splice site are a relatively common cause of aberrant splicing (PMID: 17576681, 9536098). Algorithms developed to predict the effect of sequence changes on RNA splicing suggest that this variant may disrupt the consensus splice site. In summary, the available evidence is currently insufficient to determine the role of this variant in disease. Therefore, it has been classified as a Variant of Uncertain Significance.

Literature cited by the submitters: PubMed 17576681; PubMed 9536098.